The following is an entry in ClinVar:

ClinVar aggregate classification (germline): Likely benign. Review status: criteria provided, multiple submitters, no conflicts (2 of 4 stars). 2 submissions from 2 submitters: Likely benign (2). Last evaluated 2025-12-15.

Conditions:
AUTS2-related disorder. Also called: AUTS2-related condition.

Allele frequency attached by ClinVar (database versions not stated): gnomAD exomes 0.00001; ESP Exome Variant Server 0.00008; gnomAD 0.00012; TOPMed 0.00019.
gnomAD v4.1: 37 of 1,611,472 alleles (0.0023%); highest among the groups gnomAD compares: African/African-American, 0.044%; no homozygotes.

Submissions (2):

Labcorp Genetics (formerly Invitae), Labcorp
Classification: Likely benign. Last evaluated: 2025-12-15. Review status: criteria provided, single submitter. Criteria: Invitae Variant Classification Sherloc (09022015). Collection method: clinical testing. Allele origin: germline.

PreventionGenetics, part of Exact Sciences
Classification: Likely benign for AUTS2-related condition. Last evaluated: 2025-10-03. Review status: criteria provided, single submitter. Criteria: ACMG Guidelines, 2015. Collection method: clinical testing. Allele origin: germline.
Comment: This variant is classified as likely benign based on ACMG/AMP sequence variant interpretation guidelines (Richards et al. 2015 PMID: 25741868, with internal and published modifications).

NM_015570.4(AUTS2):c.3411G>A (p.Val1137=)

Gene: AUTS2 (activator of transcription and developmental regulator AUTS2; plus strand). Cytogenetic location: 7q11.22.
Variant type: single nucleotide variant.
Coding change: c.3411G>A on transcript NM_015570.4 (MANE Select); coding-DNA position 3411, G replaced by A.
Protein change: p.Val1137=; no amino-acid change (valine 1137 retained).
Molecular consequence: synonymous variant.
Genome position (GRCh38, 1-based): chr7:70,790,627, G>A. VCF-style: chr7-70790627-G-A. GRCh37 (hg19) VCF-style: chr7-70255613-G-A.
Other names: c.3411G>A (NM_015570.3); c.3339G>A, p.Val1113= (NM_001127231.3).
Identifiers: ClinVar variation 2745486 (VCV002745486.4), dbSNP rs374126278, ClinGen allele CA4281329.